The following is an entry in ClinVar:

ClinVar aggregate classification (germline): Uncertain significance. Review status: criteria provided, multiple submitters, no conflicts (2 of 4 stars). 8 submissions from 8 submitters: Uncertain significance (8). Last evaluated 2026-01-02.

Conditions:
Familial thoracic aortic aneurysm and aortic dissection (TAAD). Also called: Thoracic aortic aneurysms and dissections. Identifiers: Orphanet 91387, MedGen C4707243, MONDO:0019625.
Aortic aneurysm, familial thoracic 6 (AAT6). Also called: FAMILIAL THORACIC AORTIC ANEURYSM WITH LIVEDO RETICULARIS AND IRIS FLOCCULI. Identifiers: MedGen C2673186, MONDO:0012730, OMIM 611788.
Connective tissue disorder. Also called: Connective tissue disease. Identifiers: MedGen C0009782, MONDO:0003900.
Moyamoya disease 5 (MYMY5). Identifiers: Orphanet 2573, MedGen C3279690, MONDO:0013542, OMIM 614042.
Multisystemic smooth muscle dysfunction syndrome (SMDYS). Also called: SMOOTH MUSCLE DYSFUNCTION SYNDROME; MYDRIASIS, CONGENITAL, WITH PATENT DUCTUS ARTERIOSUS, THORACIC AORTIC ANEURYSM, AND VASCULOPATHY. Identifiers: Orphanet 404463, MedGen C3151201, MONDO:0013452, OMIM 613834.

Allele frequency attached by ClinVar (database versions not stated): ExAC 0.00001; gnomAD 0.00001; gnomAD exomes 0.00002; TOPMed 0.00002.
gnomAD v4.1: 37 of 1,613,890 alleles (0.0023%); highest among the groups gnomAD compares: Non-Finnish European, 0.0031%; no homozygotes.

Submissions (8):

Labcorp Genetics (formerly Invitae), Labcorp
Classification: Uncertain significance for Aortic aneurysm, familial thoracic 6. Last evaluated: 2026-01-02. Review status: criteria provided, single submitter. Criteria: Invitae Variant Classification Sherloc (09022015). Collection method: clinical testing. Allele origin: germline.
Comment: This sequence change replaces alanine, which is neutral and non-polar, with glycine, which is neutral and non-polar, at codon 99 of the ACTA2 protein (p.Ala99Gly). This variant is present in population databases (rs779757924, gnomAD 0.004%). This variant has not been reported in the literature in individuals affected with ACTA2-related conditions. ClinVar contains an entry for this variant (Variation ID: 384419). Invitae Evidence Modeling of protein sequence and biophysical properties (such as structural, functional, and spatial information, amino acid conservation, physicochemical variation, residue mobility, and thermodynamic stability) indicates that this missense variant is not expected to disrupt ACTA2 protein function with a negative predictive value of 80%. In summary, the available evidence is currently insufficient to determine the role of this variant in disease. Therefore, it has been classified as a Variant of Uncertain Significance.

Color Diagnostics, LLC DBA Color Health
Classification: Uncertain significance for Familial thoracic aortic aneurysm and aortic dissection. Last evaluated: 2025-07-09. Review status: criteria provided, single submitter. Criteria: ACMG Guidelines, 2015. Collection method: clinical testing. Allele origin: germline.
Comment: This missense variant replaces alanine with glycine at codon 99 of the ACTA2 protein. Computational prediction suggests that this variant may have deleterious impact on protein structure and function. To our knowledge, functional studies have not been reported for this variant. This variant has been reported in a family affected with thoracic aortic aneurysm and dissection (PMID: 36053285). This variant has been identified in 5/251008 chromosomes in the general population by the Genome Aggregation Database (gnomAD). The available evidence is insufficient to determine the role of this variant in disease conclusively. Therefore, this variant is classified as a Variant of Uncertain Significance.

ARUP Laboratories, Molecular Genetics and Genomics, ARUP Laboratories
Classification: Uncertain significance. Last evaluated: 2025-06-17. Review status: criteria provided, single submitter. Criteria: ARUP Molecular Germline Variant Investigation Process 2024. Collection method: clinical testing. Allele origin: germline.
Comment: The ACTA2 c.296C>G; p.Ala99Gly variant (rs779757924, ClinVar Variation ID: 384419) is reported in the literature in one family affected with a vasculopathy (van den Bersselaar 2022). This variant is found in the non-Finnish European population with an allele frequency of 0.004% (5/113372 alleles) in the Genome Aggregation Database (v2.1.1). Computational analyses predict that this variant is deleterious (REVEL: 0.718). Due to limited information, the clinical significance of this variant is uncertain at this time. References: van den Bersselaar LM et al. Expanding the genetic and phenotypic spectrum of ACTA2-related vasculopathies in a Dutch cohort. Genet Med. 2022 Oct;24(10):2112-2122. PMID: 36053285.

Ambry Genetics
Classification: Uncertain significance for Familial thoracic aortic aneurysm and aortic dissection. Last evaluated: 2024-11-21. Review status: criteria provided, single submitter. Criteria: Ambry Variant Classification Scheme 2023. Collection method: clinical testing. Allele origin: germline.
Comment: The p.A99G variant (also known as c.296C>G), located in coding exon 3 of the ACTA2 gene, results from a C to G substitution at nucleotide position 296. The alanine at codon 99 is replaced by glycine, an amino acid with similar properties. This variant has been detected in a cohort of patients with vasculopathies; however, details were limited (van den Bersselaar LM et al. Genet Med. 2022 Oct;24(10):2112-2122). This amino acid position is highly conserved in available vertebrate species. In addition, this alteration is predicted to be deleterious by in silico analysis. Since supporting evidence is limited at this time, the clinical significance of this alteration remains unclear.

All of Us Research Program, National Institutes of Health
Classification: Uncertain significance for Familial thoracic aortic aneurysm and aortic dissection. Last evaluated: 2023-12-18. Review status: criteria provided, single submitter. Criteria: ACMG Guidelines, 2015. Collection method: clinical testing. Allele origin: germline. Inheritance: Autosomal dominant inheritance. Observed: 12 variant alleles, 12 heterozygotes.
Comment: This missense variant replaces alanine with glycine at codon 99 of the ACTA2 protein. Computational prediction suggests that this variant may have deleterious impact on protein structure and function (internally defined REVEL score threshold >= 0.7, PMID: 27666373). To our knowledge, functional studies have not been reported for this variant. This variant has been reported in a family affected with thoracic aortic aneurysm and dissection (PMID: 36053285). This variant has been identified in 5/251008 chromosomes in the general population by the Genome Aggregation Database (gnomAD). The available evidence is insufficient to determine the role of this variant in disease conclusively. Therefore, this variant is classified as a Variant of Uncertain Significance.

This study involves interpretation of variants in research participants for the purpose of population health screening. Participant phenotype was not available at the time of variant classification. Additional details can be found in publication PMID: 35346344, PMCID: PMC8962531

GeneDx
Classification: Uncertain significance. Last evaluated: 2023-11-08. Review status: criteria provided, single submitter. Criteria: GeneDx Variant Classification Process June 2021. Collection method: clinical testing. Allele origin: germline. Affected: yes.
Comment: Not observed at significant frequency in large population cohorts (gnomAD); In silico analysis supports that this missense variant has a deleterious effect on protein structure/function; Reported in a study of patients with ACTA2 variants; detailed clinical information was not provided (PMID: 36053285); This variant is associated with the following publications: (PMID: 36053285)

Fulgent Genetics
Classification: Uncertain significance for Aortic aneurysm, familial thoracic 6; Multisystemic smooth muscle dysfunction syndrome; Moyamoya disease 5. Last evaluated: 2021-08-03. Review status: criteria provided, single submitter. Criteria: ACMG Guidelines, 2015. Collection method: clinical testing. Allele origin: unknown.

Center for Human Genetics, Inc
Classification: Uncertain significance for Connective tissue disorder. Last evaluated: 2014-09-26. Review status: criteria provided, single submitter. Criteria: ACMG Guidelines, 2015. Collection method: clinical testing. Allele origin: germline. Affected: yes.

Literature cited by the submitters: PubMed 36053285 (cited by 3 submitters).

NM_001613.4(ACTA2):c.296C>G (p.Ala99Gly)

Gene: ACTA2 (actin alpha 2, smooth muscle; minus strand). Cytogenetic location: 10q23.31.
Variant type: single nucleotide variant.
Coding change: c.296C>G on transcript NM_001613.4 (MANE Select); coding-DNA position 296, C replaced by G.
Protein change: p.Ala99Gly; replaces alanine 99 with glycine.
Molecular consequence: missense variant.
Genome position (GRCh38, 1-based): chr10:88,943,870, G>C on the plus strand (C>G on the coding strand, the complement: ACTA2 is on the minus strand). VCF-style: chr10-88943870-G-C. GRCh37 (hg19) VCF-style: chr10-90703627-G-C.
Other names: c.296C>G, p.Ala99Gly (NM_001141945.3, NM_001320855.2, NM_001406462.1 and 3 more transcripts); c.167C>G, p.Ala56Gly (NM_001406467.1, NM_001406468.1, NM_001406469.1); short protein forms A99G, A56G.
Identifiers: ClinVar variation 384419 (VCV000384419.24), dbSNP rs779757924, ClinGen allele CA027367.